The following is an entry in ClinVar:

NM_006721.4(ADK):c.66-23885T>A

Gene: ADK (adenosine kinase; plus strand). Cytogenetic location: 10q22.2.
Variant type: single nucleotide variant.
Coding change: c.66-23885T>A on transcript NM_006721.4 (MANE Select); 23885 bases into the intron before coding-DNA position 66, T replaced by A.
Molecular consequence: intron variant. On other transcripts: missense variant (3).
Genome position (GRCh38, 1-based): chr10:74,176,879, T>A. VCF-style: chr10-74176879-T-A. GRCh37 (hg19) VCF-style: chr10-75936637-T-A.
Other names: c.7T>A, p.Ser3Thr (NM_001123.4, NM_001202449.2, NM_001369124.1); c.66-23885T>A (NM_001369123.1, NM_001202450.2); short protein forms S3T.
Identifiers: ClinVar variation 879775 (VCV000879775.7), dbSNP rs370191448, ClinGen allele CA5563831.

ClinVar aggregate classification (germline): Conflicting classifications of pathogenicity. Review status: criteria provided, conflicting classifications (1 of 4 stars). 4 submissions from 4 submitters: Uncertain significance (3); Likely benign (1). Last evaluated 2022-09-19.

Conditions:
Adenosine kinase deficiency. Also called: Hypermethioninemia due to adenosine kinase deficiency; MENTAL RETARDATION, AUTOSOMAL RECESSIVE 8. Identifiers: Orphanet 289290, Orphanet 88616, MedGen C4706555, MONDO:0100255, OMIM 614300.

Allele frequency attached by ClinVar (database versions not stated): gnomAD exomes 0.00003 and 0.00008; ExAC 0.00004; gnomAD 0.00005 and 0.00006; TOPMed 0.00009; ESP Exome Variant Server 0.00023.
gnomAD v4.1: 135 of 1,609,822 alleles (0.0084%); highest among the groups gnomAD compares: Non-Finnish European, 0.01%; no homozygotes.

Submissions (4):

Labcorp Genetics (formerly Invitae), Labcorp
Classification: Uncertain significance. Last evaluated: 2022-09-19. Review status: criteria provided, single submitter. Criteria: Invitae Variant Classification Sherloc (09022015). Collection method: clinical testing. Allele origin: germline.
Comment: This sequence change replaces serine, which is neutral and polar, with threonine, which is neutral and polar, at codon 3 of the ADK protein (p.Ser3Thr). This variant is present in population databases (rs370191448, gnomAD 0.008%). This variant has not been reported in the literature in individuals affected with ADK-related conditions. ClinVar contains an entry for this variant (Variation ID: 879775). Algorithms developed to predict the effect of missense changes on protein structure and function (SIFT, PolyPhen-2, Align-GVGD) all suggest that this variant is likely to be tolerated. In summary, the available evidence is currently insufficient to determine the role of this variant in disease. Therefore, it has been classified as a Variant of Uncertain Significance.

Fulgent Genetics
Classification: Uncertain significance for Adenosine kinase deficiency. Last evaluated: 2021-12-16. Review status: criteria provided, single submitter. Criteria: ACMG Guidelines, 2015. Collection method: clinical testing. Allele origin: unknown.

Blueprint Genetics
Classification: Likely benign. Last evaluated: 2019-08-22. Review status: criteria provided, single submitter. Criteria: ACMG Guidelines, 2015. Collection method: clinical testing. Allele origin: germline.

Illumina Laboratory Services, Illumina
Classification: Uncertain significance for Adenosine kinase deficiency. Last evaluated: 2018-01-12. Review status: criteria provided, single submitter. Criteria: ICSL Variant Classification Criteria 13 December 2019. Collection method: clinical testing. Allele origin: germline.